The following is an entry in ClinVar:

NM_007294.4(BRCA1):c.3872del (p.Cys1291fs)

Genes: BRCA1 (BRCA1 DNA repair associated; minus strand), LOC126862571 (BRD4-independent group 4 enhancer GRCh37_chr17:41243136-41244335; plus strand). Cytogenetic location: 17q21.31.
Variant type: Deletion.
Coding change: c.3872del on transcript NM_007294.4 (MANE Select); coding-DNA position 3872, one base deleted (G; older notation c.3872delG).
Protein change: p.Cys1291fs; shifts the reading frame from cysteine 1291.
Molecular consequence: frameshift variant. On other transcripts: intron variant (135).
Genome position (GRCh38, 1-based): chr17:43,091,659, C deleted on the plus strand (G on the coding strand, the reverse complement: BRCA1 is on the minus strand). VCF-style (leftmost placement, unchanged base first): chr17-43091658-AC-A. GRCh37 (hg19) VCF-style: chr17-41243675-AC-A.
Other names: c.3749del, p.Cys1250fs (NM_001407665.1, NM_001407666.1, NM_001407667.1 and 19 more transcripts); c.3746del, p.Cys1249fs (NM_001407670.1, NM_001407671.1, NM_001407672.1 and 11 more transcripts); c.3872del, p.Cys1291fs (NM_001407684.1, NM_001407854.1, NM_001407858.1 and 30 more transcripts); c.3731del, p.Cys1244fs (NM_001407692.1, NM_001407694.1, NM_001407695.1 and 29 more transcripts); c.3728del, p.Cys1243fs (NM_001407740.1, NM_001407741.1, NM_001407742.1 and 20 more transcripts); c.3659del, p.Cys1220fs (NM_001407853.1, NM_001407894.1, NM_001407895.1 and 9 more transcripts); c.3869del, p.Cys1290fs (NM_001407860.1, NM_001407861.1, NM_001407587.1 and 22 more transcripts); c.3671del, p.Cys1224fs (NM_001407862.1); and 42 more; short protein forms C1291fs, C1244fs, C1221fs, C1249fs, C1265fs, C1288fs, C423fs, C1123fs.
Identifiers: ClinVar variation 969791 (VCV000969791.9), dbSNP rs2053508051, ClinGen allele CA1139665612.

ClinVar aggregate classification (germline): Pathogenic (1 of 4 stars; one submission).

Conditions:
Hereditary breast ovarian cancer syndrome. Also called: BRCA1- and BRCA2-Associated Hereditary Breast and Ovarian Cancer; Hereditary breast and ovarian cancer; Hereditary breast and ovarian cancer syndrome; Hereditary breast and/or ovarian cancer syndrome; Hereditary breast and ovarian cancer syndrome (HBOC); Breast and ovarian cancer. Identifiers: Orphanet 145, MedGen C0677776, MeSH D061325, MONDO:0003582. Disease mechanism: loss of function.

Submission:

Labcorp Genetics (formerly Invitae), Labcorp
Classification: Pathogenic for Hereditary breast ovarian cancer syndrome. Last evaluated: 2019-11-08. Review status: criteria provided, single submitter. Criteria: Invitae Variant Classification Sherloc (09022015). Collection method: clinical testing. Allele origin: germline.
Comment: This sequence change creates a premature translational stop signal (p.Cys1291Phefs*16) in the BRCA1 gene. It is expected to result in an absent or disrupted protein product. This variant is not present in population databases (ExAC no frequency). This variant has not been reported in the literature in individuals with BRCA1-related conditions. Loss-of-function variants in BRCA1 are known to be pathogenic (PMID: 20104584). For these reasons, this variant has been classified as Pathogenic.

Literature cited by the submitters: PubMed 20104584.